The following is an entry in ClinVar:

ClinVar aggregate classification (germline): Uncertain significance (1 of 4 stars; one submission).

Conditions:
Epidermolysis bullosa simplex with nail dystrophy (EBS5D). Identifiers: MedGen C4225309, MONDO:0014661, OMIM 616487.
Epidermolysis bullosa simplex, Ogna type (EBS5A). Also called: EPIDERMOLYSIS BULLOSA SIMPLEX 5A, OGNA TYPE; Pidermolysis bullosa simplex 5A, Ogna type. Identifiers: Orphanet 79401, MedGen C0432317, MONDO:0007555, OMIM 131950.
Autosomal recessive limb-girdle muscular dystrophy type 2Q (LGMDR17). Also called: MUSCULAR DYSTROPHY, LIMB-GIRDLE, AUTOSOMAL RECESSIVE 17. Identifiers: Orphanet 254361, MedGen C3150989, MONDO:0013390, OMIM 613723.
Epidermolysis bullosa simplex 5B, with muscular dystrophy (EBS5B). Also called: EPIDERMOLYSIS BULLOSA SIMPLEX AND LIMB-GIRDLE MUSCULAR DYSTROPHY; Epidermolysis bullosa simplex with muscular dystrophy. Identifiers: Orphanet 257, MedGen C2931072, MONDO:0009181, OMIM 226670.
Epidermolysis bullosa simplex 5C, with pyloric atresia (EBS5C). Also called: PLEC-Related Epidermolysis Bullosa with Pyloric Atresia; Epidermolysis bullosa simplex with pyloric atresia; PLEC1-Related Epidermolysis Bullosa with Pyloric Atresia. Identifiers: Orphanet 158684, MedGen C2677349, MONDO:0012807, OMIM 612138.

Submission:

Labcorp Genetics (formerly Invitae), Labcorp
Classification: Uncertain significance for Autosomal recessive limb-girdle muscular dystrophy type 2Q; Epidermolysis bullosa simplex, Ogna type; Epidermolysis bullosa simplex with nail dystrophy; Epidermolysis bullosa simplex 5C, with pyloric atresia; Epidermolysis bullosa simplex 5B, with muscular dystrophy. Last evaluated: 2025-06-19. Review status: criteria provided, single submitter. Criteria: Invitae Variant Classification Sherloc (09022015). Collection method: clinical testing. Allele origin: germline.
Comment: This sequence change replaces isoleucine, which is neutral and non-polar, with valine, which is neutral and non-polar, at codon 3489 of the PLEC protein (p.Ile3489Val). This variant is present in population databases (rs782638742, gnomAD 0.002%). This variant has not been reported in the literature in individuals affected with PLEC-related conditions. Invitae Evidence Modeling of protein sequence and biophysical properties (such as structural, functional, and spatial information, amino acid conservation, physicochemical variation, residue mobility, and thermodynamic stability) indicates that this missense variant is not expected to disrupt PLEC protein function with a negative predictive value of 80%. In summary, the available evidence is currently insufficient to determine the role of this variant in disease. Therefore, it has been classified as a Variant of Uncertain Significance.

NM_201384.3(PLEC):c.10384A>G (p.Ile3462Val)

Gene: PLEC (plectin; minus strand). Cytogenetic location: 8q24.3.
Variant type: single nucleotide variant.
Coding change: c.10384A>G on transcript NM_201384.3 (MANE Select); coding-DNA position 10384, A replaced by G.
Protein change: p.Ile3462Val; replaces isoleucine 3462 with valine.
Molecular consequence: missense variant.
Genome position (GRCh38, 1-based): chr8:143,919,437, T>C on the plus strand (A>G on the coding strand, the complement: PLEC is on the minus strand). VCF-style: chr8-143919437-T-C. GRCh37 (hg19) VCF-style: chr8-144993605-T-C.
Other names: c.10288A>G, p.Ile3430Val (NM_201381.3); c.10384A>G, p.Ile3462Val (NM_201382.4); c.10396A>G, p.Ile3466Val (NM_201383.3); c.10465A>G, p.Ile3489Val (NM_000445.5); c.7084A>G, p.Ile2362Val (NM_001410941.1); c.10342A>G, p.Ile3448Val (NM_201378.4); c.10318A>G, p.Ile3440Val (NM_201379.3); c.10795A>G, p.Ile3599Val (NM_201380.4); short protein forms I2362V, I3448V, I3440V, I3462V, I3466V, I3599V, I3430V, I3489V.
Identifiers: ClinVar variation 4788343 (VCV004788343.1).